The following is an entry in ClinVar:

ClinVar aggregate classification (germline): Uncertain significance (1 of 4 stars; one submission).

Conditions:
Amyotrophic lateral sclerosis type 21. Also called: VOCAL CORD AND PHARYNGEAL DYSFUNCTION WITH DISTAL MYOPATHY; MYOPATHY, DISTAL, 2. Identifiers: Orphanet 600, Orphanet 803, MedGen C3807521, MONDO:0011632, OMIM 606070.

Allele frequency attached by ClinVar (database versions not stated): gnomAD 0.00001.
gnomAD v4.1: 5 of 1,613,494 alleles (0.00031%); highest among the groups gnomAD compares: Non-Finnish European, 0.00042%; no homozygotes.

Submission:

Labcorp Genetics (formerly Invitae), Labcorp
Classification: Uncertain significance for Amyotrophic lateral sclerosis type 21. Last evaluated: 2024-08-06. Review status: criteria provided, single submitter. Criteria: Invitae Variant Classification Sherloc (09022015). Collection method: clinical testing. Allele origin: germline.
Comment: This sequence change replaces proline, which is neutral and non-polar, with alanine, which is neutral and non-polar, at codon 825 of the MATR3 protein (p.Pro825Ala). This variant is present in population databases (no rsID available, gnomAD 0.0009%). This variant has not been reported in the literature in individuals affected with MATR3-related conditions. ClinVar contains an entry for this variant (Variation ID: 1984063). An algorithm developed to predict the effect of missense changes on protein structure and function (PolyPhen-2) suggests that this variant is likely to be tolerated. In summary, the available evidence is currently insufficient to determine the role of this variant in disease. Therefore, it has been classified as a Variant of Uncertain Significance.

NM_018834.6(MATR3):c.2473C>G (p.Pro825Ala)

Gene: MATR3 (matrin 3; plus strand). Cytogenetic location: 5q31.2.
Variant type: single nucleotide variant.
Coding change: c.2473C>G on transcript NM_018834.6 (MANE Select); coding-DNA position 2473, C replaced by G.
Protein change: p.Pro825Ala; replaces proline 825 with alanine.
Molecular consequence: missense variant.
Genome position (GRCh38, 1-based): chr5:139,326,264, C>G. VCF-style: chr5-139326264-C-G. GRCh37 (hg19) VCF-style: chr5-138661953-C-G.
Other names: c.2473C>G, p.Pro825Ala (NM_001194954.2, NM_001194955.2, NM_001400447.1 and 11 more transcripts); c.1609C>G, p.Pro537Ala (NM_001194956.2); c.1459C>G, p.Pro487Ala (NM_001282278.2, NM_001400462.1, NM_001400463.1 and 4 more transcripts); c.2617C>G, p.Pro873Ala (NM_001400441.1, NM_001400442.1, NM_001400443.1 and 2 more transcripts); c.1612C>G, p.Pro538Ala (NM_001400459.1); c.1603C>G, p.Pro535Ala (NM_001400460.1); c.1573C>G, p.Pro525Ala (NM_001400461.1); short protein forms P537A, P487A, P525A, P535A, P873A, P538A, P825A.
Identifiers: ClinVar variation 1984063 (VCV001984063.4), dbSNP rs879634957, ClinGen allele CA128241767.